The following is an entry in ClinVar:

ClinVar aggregate classification (germline): Benign (1 of 4 stars; one submission).

Conditions:
Hennekam lymphangiectasia-lymphedema syndrome 1 (HKLLS1). Also called: LYMPHATIC DYSPLASIA, GENERALIZED. Identifiers: Orphanet 2136, MedGen C4012050, MONDO:0009337, OMIM 235510.

Allele frequency attached by ClinVar (database versions not stated): gnomAD 0.00519 and 0.00563; 1000 Genomes Project 30x 0.00562; 1000 Genomes Project 0.00579; TOPMed 0.00607.

Submission:

Illumina Laboratory Services, Illumina
Classification: Benign for Hennekam lymphangiectasia-lymphedema syndrome 1. Last evaluated: 2018-01-13. Review status: criteria provided, single submitter. Criteria: ICSL Variant Classification Criteria 13 December 2019. Collection method: clinical testing. Allele origin: germline.
Comment: This variant was observed in the ICSL laboratory as part of a predisposition screen in an ostensibly healthy population. It had not been previously curated by ICSL or reported in the Human Gene Mutation Database (HGMD: prior to June 1st, 2018), and was therefore a candidate for classification through an automated scoring system. Utilizing variant allele frequency, disease prevalence and penetrance estimates, and inheritance mode, an automated score was calculated to assess if this variant is too frequent to cause the disease. Based on the score and internal cut-off values, a variant classified as benign is not then subjected to further curation. The score for this variant resulted in a classification of benign for this disease.

NM_133459.4(CCBE1):c.*3533C>A

Gene: CCBE1 (collagen and calcium binding EGF domains 1; minus strand). Cytogenetic location: 18q21.32.
Variant type: single nucleotide variant.
Coding change: c.*3533C>A on transcript NM_133459.4 (MANE Select); 3533 bases downstream of the stop codon, C replaced by A.
Molecular consequence: 3 prime UTR variant.
Genome position (GRCh38, 1-based): chr18:59,432,375, G>T on the plus strand (C>A on the coding strand, the complement: CCBE1 is on the minus strand). VCF-style: chr18-59432375-G-T. GRCh37 (hg19) VCF-style: chr18-57099607-G-T.
Other names: c.*3533C>A (LRG_1209t1).
Identifiers: ClinVar variation 327611 (VCV000327611.5), dbSNP rs112059725, ClinGen allele CA10647994.